The following is an entry in ClinVar:

NM_000256.3(MYBPC3):c.3764C>A (p.Ala1255Asp)

Gene: MYBPC3 (myosin binding protein C3; minus strand). Cytogenetic location: 11p11.2.
Variant type: single nucleotide variant.
Coding change: c.3764C>A on transcript NM_000256.3 (MANE Select); coding-DNA position 3764, C replaced by A.
Protein change: p.Ala1255Asp; replaces alanine 1255 with aspartic acid.
Molecular consequence: missense variant.
Genome position (GRCh38, 1-based): chr11:47,332,122, G>T on the plus strand (C>A on the coding strand, the complement: MYBPC3 is on the minus strand). VCF-style: chr11-47332122-G-T. GRCh37 (hg19) VCF-style: chr11-47353673-G-T.
Other names: short protein forms A1255D.
Identifiers: ClinVar variation 179227 (VCV000179227.13), dbSNP rs727504722, ClinGen allele CA014820.

ClinVar aggregate classification (germline): Uncertain significance. Review status: criteria provided, multiple submitters, no conflicts (2 of 4 stars). 5 submissions from 5 submitters: Uncertain significance (5). Last evaluated 2026-09-21.

Conditions:
Cardiovascular phenotype. Identifiers: MedGen CN230736.
Cardiomyopathy (CMYO). Also called: Cardiomyopathies. Identifiers: Orphanet 167848, MedGen C0878544, MONDO:0004994, HP:0001638. Inheritance: Various modes of inheritance.
Hypertrophic cardiomyopathy. Also called: HYPERTROPHIC MYOCARDIOPATHY. Identifiers: Orphanet 217569, MedGen C0007194, MeSH D002312, MONDO:0005045, HP:0001639.

Submissions (5):

Molecular Diagnostic Laboratory for Inherited Cardiovascular Disease, Montreal Heart Institute
Classification: Uncertain significance for Cardiovascular phenotype. Last evaluated: 2026-09-21. Review status: criteria provided, single submitter. Criteria: ACMG Guidelines, 2015. Collection method: clinical testing. Allele origin: germline. Affected: yes.
Comment: PS4_mod, PM2, PP3

Labcorp Genetics (formerly Invitae), Labcorp
Classification: Uncertain significance for Hypertrophic cardiomyopathy. Last evaluated: 2026-01-06. Review status: criteria provided, single submitter. Criteria: Invitae Variant Classification Sherloc (09022015). Collection method: clinical testing. Allele origin: germline.
Comment: This sequence change replaces alanine, which is neutral and non-polar, with aspartic acid, which is acidic and polar, at codon 1255 of the MYBPC3 protein (p.Ala1255Asp). This variant is not present in population databases (gnomAD no frequency). This missense change has been observed in individual(s) with hypertrophic cardiomyopathy (PMID: 25132132, 31737537, 37652022). ClinVar contains an entry for this variant (Variation ID: 179227). An algorithm developed to predict the effect of missense changes on protein structure and function (PolyPhen-2) suggests that this variant is likely to be disruptive. This variant disrupts the p.Ala1255 amino acid residue in MYBPC3. Other variant(s) that disrupt this residue have been observed in individuals with MYBPC3-related conditions (PMID: 33782553), which suggests that this may be a clinically significant amino acid residue. In summary, the available evidence is currently insufficient to determine the role of this variant in disease. Therefore, it has been classified as a Variant of Uncertain Significance.

CHEO Genetics Diagnostic Laboratory, Children's Hospital of Eastern Ontario
Classification: Uncertain significance for Cardiomyopathy. Last evaluated: 2021-03-09. Review status: criteria provided, single submitter. Criteria: ACMG Guidelines, 2015. Collection method: clinical testing. Allele origin: germline.

Ambry Genetics
Classification: Uncertain significance for Cardiovascular phenotype. Last evaluated: 2019-09-19. Review status: criteria provided, single submitter. Criteria: Ambry Variant Classification Scheme 2023. Collection method: clinical testing. Allele origin: germline.
Comment: The p.A1255D variant (also known as c.3764C>A), located in coding exon 33 of the MYBPC3 gene, results from a C to A substitution at nucleotide position 3764. The alanine at codon 1255 is replaced by aspartic acid, an amino acid with dissimilar properties. This alteration has been reported in association with hypertrophic cardiomyopathy (HCM) (Wang J et al. Eur. J. Heart Fail., 2014 Sep;16:950-7). Another alteration affecting the same amino acid, p.A1255T (c.3763G>A), has also been reported in association with HCM (Richard P et al. Circulation, 2003 May;107:2227-32). This amino acid position is highly conserved in available vertebrate species. In addition, this alteration is predicted to be deleterious by in silico analysis. Since supporting evidence is limited at this time, the clinical significance of this alteration remains unclear.

Laboratory for Molecular Medicine, Mass General Brigham Personalized Medicine
Classification: Uncertain significance. Last evaluated: 2013-08-23. Review status: criteria provided, single submitter. Criteria: LMM Criteria. Collection method: clinical testing. Allele origin: germline. Observed: 1 variant allele.
Comment: The Ala1255Asp variant in MYBPC3 has not been reported in individuals with cardi omyopathy and data from large population studies are insufficient to assess the frequency of this variant. Computational analyses (biochemical amino acid proper ties, homology, PolyPhen2, SIFT, AlignGVGD) suggest that this variant may impact the protein, though this information is not predictive enough to determine path ogenicity. In summary, additional information is needed to fully assess the cli nical significance of the Ala1255Asp variant.

Literature cited by the submitters: PubMed 25132132 (cited by Labcorp Genetics (formerly Invitae), Labcorp and Ambry Genetics); PubMed 31737537 (cited by Labcorp Genetics (formerly Invitae), Labcorp); PubMed 37652022 (cited by Labcorp Genetics (formerly Invitae), Labcorp); PubMed 33782553 (cited by Labcorp Genetics (formerly Invitae), Labcorp).